The following is an entry in ClinVar:

NM_001014.5(RPS10):c.337C>T (p.Arg113Ter)

Genes: RPS10 (ribosomal protein S10; minus strand), RPS10-NUDT3 (RPS10-NUDT3 readthrough; minus strand). Cytogenetic location: 6p21.31.
Variant type: single nucleotide variant.
Coding change: c.337C>T on transcript NM_001014.5 (MANE Select); coding-DNA position 337, C replaced by T.
Protein change: p.Arg113Ter; replaces arginine 113 with a stop codon.
Molecular consequence: nonsense.
Genome position (GRCh38, 1-based): chr6:34,421,793, G>A on the plus strand (C>T on the coding strand, the complement: RPS10 is on the minus strand). VCF-style: chr6-34421793-G-A. GRCh37 (hg19) VCF-style: chr6-34389570-G-A.
Other names: c.337C>T, p.Arg113Ter (NM_001202470.3, NM_001203245.3, NM_001204091.2); short protein forms R113*.
Identifiers: ClinVar variation 6187 (VCV000006187.9), dbSNP rs267607022, ClinGen allele CA253791.
Genomic context (GRCh38, chr6:34,421,793, plus strand): 5'-GCACAGCACTCCGTCTGTAGGTATCTCTGTCAGCTTCCCCTCTTGTGAGTCTCGCAGGTC[G>A]CTCACCCTCCAGACCTATGTAAATCAAACCACACTGTGAACACAGGGCAATGTGAGAACT-3'

ClinVar aggregate classification (germline): Pathogenic. Review status: criteria provided, multiple submitters, no conflicts (2 of 4 stars). 3 submissions from 3 submitters: Pathogenic (2). 1 of the submissions does not count toward it. Last evaluated 2025-09-23.

Conditions:
Diamond-Blackfan anemia 9 (DBA9). Also called: RPS10-Related Diamond-Blackfan Anemia. Identifiers: Orphanet 124, MedGen C2750081, MONDO:0013216, OMIM 613308.
Diamond-Blackfan anemia. Also called: Blackfan Diamond syndrome; Aregenerative anemia chronic congenital; Red cell aplasia, pure hereditary; Congenital hypoplastic anemia; Aase syndrome. Identifiers: Orphanet 124, MedGen C1260899, MeSH D029503, MONDO:0015253, HP:0004810.

Submissions (3):

Ambry Genetics
Classification: Pathogenic for Diamond-Blackfan anemia. Last evaluated: 2025-09-23. Review status: criteria provided, single submitter. Criteria: Ambry Variant Classification Scheme 2023. Collection method: clinical testing. Allele origin: germline.
Comment: The p.R113* pathogenic mutation (also known as c.337C>T), located in coding exon 3 of the RPS10 gene, results from a C to T substitution at nucleotide position 337. This changes the amino acid from an arginine to a stop codon within coding exon 3. This variant was reported in individual(s) with features consistent with Diamond-Blackfan anemia (Doherty L et al. Am. J. Hum. Genet., 2010 Feb;86:222-8; Gerrard G et al. Br. J. Haematol., 2013 Aug;162:530-6). This variant is considered to be rare based on population cohorts in the Genome Aggregation Database (gnomAD). This alteration is expected to result in loss of function by premature protein truncation or nonsense-mediated mRNA decay. As such, this alteration is interpreted as a disease-causing mutation.

Labcorp Genetics (formerly Invitae), Labcorp
Classification: Pathogenic for Diamond-Blackfan anemia. Last evaluated: 2021-10-25. Review status: criteria provided, single submitter. Criteria: Invitae Variant Classification Sherloc (09022015). Collection method: clinical testing. Allele origin: germline.
Comment: For these reasons, this variant has been classified as Pathogenic. This sequence change creates a premature translational stop signal (p.Arg113*) in the RPS10 gene. It is expected to result in an absent or disrupted protein product. Loss-of-function variants in RPS10 are known to be pathogenic (PMID: 20116044, 23718193). This variant is not present in population databases (ExAC no frequency). This premature translational stop signal has been observed in individual(s) with Diamond-Blackfan anemia (PMID: 20116044). ClinVar contains an entry for this variant (Variation ID: 6187).

OMIM
Classification: Pathogenic for DIAMOND-BLACKFAN ANEMIA 9. Last evaluated: 2013-08-01. Review status: no assertion criteria provided. Collection method: literature only. Allele origin: germline. Not counted in ClinVar's aggregate classification.

Literature cited by the submitters: PubMed 20116044 (cited by 3 submitters); PubMed 23718193 (cited by 3 submitters).